The following is an entry in ClinVar:

NM_005477.3(HCN4):c.343A>G (p.Ser115Gly)

Gene: HCN4 (hyperpolarization activated cyclic nucleotide gated potassium channel 4; minus strand). Cytogenetic location: 15q24.1.
Variant type: single nucleotide variant.
Coding change: c.343A>G on transcript NM_005477.3 (MANE Select); coding-DNA position 343, A replaced by G.
Protein change: p.Ser115Gly; replaces serine 115 with glycine.
Molecular consequence: missense variant.
Genome position (GRCh38, 1-based): chr15:73,367,928, T>C on the plus strand (A>G on the coding strand, the complement: HCN4 is on the minus strand). VCF-style: chr15-73367928-T-C. GRCh37 (hg19) VCF-style: chr15-73660269-T-C.
Other names: short protein forms S115G.
Identifiers: ClinVar variation 1731440 (VCV001731440.3), dbSNP rs2549080472, ClinGen allele CA393098324.

ClinVar aggregate classification (germline): Conflicting classifications of pathogenicity. Review status: criteria provided, conflicting classifications (1 of 4 stars). 2 submissions from 2 submitters: Uncertain significance (1); Likely benign (1). Last evaluated 2024-06-18.

Conditions:
Cardiovascular phenotype. Identifiers: MedGen CN230736.

Allele frequency attached by ClinVar (database versions not stated): gnomAD exomes below 0.00001.

Submissions (2):

GeneDx
Classification: Uncertain significance. Last evaluated: 2024-06-18. Review status: criteria provided, single submitter. Criteria: GeneDx Variant Classification Process June 2021. Collection method: clinical testing. Allele origin: germline. Affected: yes.
Comment: Has not been previously published as pathogenic or benign to our knowledge; Not observed at significant frequency in large population cohorts (gnomAD); In silico analysis indicates that this missense variant does not alter protein structure/function

Ambry Genetics
Classification: Likely benign for Cardiovascular phenotype. Last evaluated: 2021-11-14. Review status: criteria provided, single submitter. Criteria: Ambry Variant Classification Scheme 2023. Collection method: clinical testing. Allele origin: germline.